The following is an entry in ClinVar:

NM_001130987.2(DYSF):c.4528-1779T>G

Gene: DYSF (dysferlin; plus strand). Cytogenetic location: 2p13.2.
Variant type: single nucleotide variant.
Coding change: c.4528-1779T>G on transcript NM_001130987.2 (MANE Select); 1779 bases into the intron before coding-DNA position 4528, T replaced by G.
Molecular consequence: intron variant.
Genome position (GRCh38, 1-based): chr2:71,642,186, T>G. VCF-style: chr2-71642186-T-G. GRCh37 (hg19) VCF-style: chr2-71869316-T-G.
Other names: c.4504-1779T>G (NM_001130979.2); c.4525-1779T>G (NM_001130981.2); c.4462-1779T>G (NM_001130980.2); c.4474-1779T>G (NM_001130978.2); c.4411-1779T>G (NM_003494.4); c.4432-1779T>G (NM_001130977.2); c.4369-1779T>G (NM_001130976.2); c.4507-1779T>G (NM_001130982.2); and 5 more.
Identifiers: ClinVar variation 4293090 (VCV004293090.1).

ClinVar aggregate classification (germline): Uncertain significance (1 of 4 stars; one submission).

Conditions:
DYSF-related disorder. Also called: DYSF-related condition; DYSF-related disorders.

Submission:

3billion
Classification: Uncertain significance for DYSF-related disorder. Last evaluated: 2024-11-16. Review status: criteria provided, single submitter. Criteria: ACMG Guidelines, 2015. Collection method: clinical testing. Allele origin: germline. Affected: yes.
Comment: The variant is not observed in the gnomAD v4.1.0 dataset. Predicted Consequence/Location: Intron variant In silico tools predict the variant to alter splicing and produce an abnormal transcript [SpliceAI: 0.68 (>=0.2, moderate evidence for spliceogenicity)]. Therefore, this variant is classified as VUS according to the recommendation of ACMG/AMP guideline.